The following is an entry in ClinVar:

NM_181486.4(TBX5):c.1076C>T (p.Pro359Leu)

Gene: TBX5 (T-box transcription factor 5; minus strand). Cytogenetic location: 12q24.21.
Variant type: single nucleotide variant.
Coding change: c.1076C>T on transcript NM_181486.4 (MANE Select); coding-DNA position 1076, C replaced by T.
Protein change: p.Pro359Leu; replaces proline 359 with leucine.
Molecular consequence: missense variant.
Genome position (GRCh38, 1-based): chr12:114,356,013, G>A on the plus strand (C>T on the coding strand, the complement: TBX5 is on the minus strand). VCF-style: chr12-114356013-G-A. GRCh37 (hg19) VCF-style: chr12-114793818-G-A.
Other names: c.1076C>T, p.Pro359Leu (NM_000192.3); c.926C>T, p.Pro309Leu (NM_080717.4); short protein forms P309L, P359L.
Identifiers: ClinVar variation 1784923 (VCV001784923.3), dbSNP rs149792175, ClinGen allele CA6809411.
Genomic context (GRCh38, chr12:114,356,013, plus strand): 5'-ATGCAAGCTTGCCGCTGTGCCGACTCTGTCCTGTAGGAGGCACCCAGGCCCTGCTGCTGT[G>A]GATAGCTAGAGCGGTAGAAGGAATCTTCTTCACTGGGTGATGTCTCCATGTAGGGCTTCT-3'
Protein context (NP_852259.1, residues 349-369): EEDSFYRSSY[Pro359Leu]QQQGLGASYR

ClinVar aggregate classification (germline): Uncertain significance (1 of 4 stars; one submission).

Conditions:
Cardiovascular phenotype. Identifiers: MedGen CN230736.

Allele frequency attached by ClinVar (database versions not stated): gnomAD exomes 0.00001; ExAC 0.00003; gnomAD 0.00009; TOPMed 0.00012; ESP Exome Variant Server 0.00023.
gnomAD v4.1: 26 of 1,614,026 alleles (0.0016%); highest among the groups gnomAD compares: African/African-American, 0.028%; no homozygotes.

Submission:

Ambry Genetics
Classification: Uncertain significance for Cardiovascular phenotype. Last evaluated: 2024-08-19. Review status: criteria provided, single submitter. Criteria: Ambry Variant Classification Scheme 2023. Collection method: clinical testing. Allele origin: germline.
Comment: The p.P359L variant (also known as c.1076C>T), located in coding exon 8 of the TBX5 gene, results from a C to T substitution at nucleotide position 1076. The proline at codon 359 is replaced by leucine, an amino acid with similar properties. This amino acid position is not well conserved in available vertebrate species. In addition, this alteration is predicted to be tolerated by in silico analysis. Since supporting evidence is limited at this time, the clinical significance of this alteration remains unclear.